The following is an entry in ClinVar:

NM_032816.5(CEP89):c.1432G>T (p.Gly478Cys)

Gene: CEP89 (centrosomal protein 89; minus strand). Cytogenetic location: 19q13.11.
Variant type: single nucleotide variant.
Coding change: c.1432G>T on transcript NM_032816.5 (MANE Select); coding-DNA position 1432, G replaced by T.
Protein change: p.Gly478Cys; replaces glycine 478 with cysteine.
Molecular consequence: missense variant.
Genome position (GRCh38, 1-based): chr19:32,915,470, C>A on the plus strand (G>T on the coding strand, the complement: CEP89 is on the minus strand). VCF-style: chr19-32915470-C-A. GRCh37 (hg19) VCF-style: chr19-33406376-C-A.
Other names: short protein forms G478C.
Identifiers: ClinVar variation 2782250 (VCV002782250.3), dbSNP rs768932479, ClinGen allele CA9359296.
Genomic context (GRCh38, chr19:32,915,470, plus strand): 5'-GGCATTTGGCACGTAAAATCTCCAGCTGTTCCCTGTTCTCCGCCAGCTCCTTTTCCTGGC[C>A]GTGGGTTTTTGCCTCCAGGAGCATTAGTTGTTTAGTCAGCTTAGAAACTGAAAATCAAAA-3'
Protein context (NP_116205.3, residues 468-488): QLMLLEAKTH[Gly478Cys]QEKELAENRE

ClinVar aggregate classification (germline): Uncertain significance (1 of 4 stars; one submission).

gnomAD v4.1: 2 of 1,612,888 alleles (0.00012%); highest among the groups gnomAD compares: Non-Finnish European, 0.00017%; no homozygotes.

Submission:

Labcorp Genetics (formerly Invitae), Labcorp
Classification: Uncertain significance. Last evaluated: 2023-04-26. Review status: criteria provided, single submitter. Criteria: Invitae Variant Classification Sherloc (09022015). Collection method: clinical testing. Allele origin: germline.
Comment: This sequence change replaces glycine, which is neutral and non-polar, with cysteine, which is neutral and slightly polar, at codon 478 of the CEP89 protein (p.Gly478Cys). This variant is present in population databases (rs768932479, gnomAD 0.0009%). This variant has not been reported in the literature in individuals affected with CEP89-related conditions. An algorithm developed to predict the effect of missense changes on protein structure and function (PolyPhen-2) suggests that this variant is likely to be tolerated. In summary, the available evidence is currently insufficient to determine the role of this variant in disease. Therefore, it has been classified as a Variant of Uncertain Significance.